The following is an entry in ClinVar:

ClinVar aggregate classification (germline): Uncertain significance (1 of 4 stars; one submission).

Conditions:
Spastic paraplegia. Identifiers: MedGen C0037772, HP:0001258.

Submission:

Labcorp Genetics (formerly Invitae), Labcorp
Classification: Uncertain significance for Spastic paraplegia. Last evaluated: 2018-04-17. Review status: criteria provided, single submitter. Criteria: Invitae Variant Classification Sherloc (09022015). Collection method: clinical testing. Allele origin: germline.
Comment: This variant has not been reported in the literature in individuals with L1CAM-related disease. In summary, the available evidence is currently insufficient to determine the role of this variant in disease. Therefore, it has been classified as a Variant of Uncertain Significance. Algorithms developed to predict the effect of missense changes on protein structure and function output the following: SIFT: "Tolerated"; PolyPhen-2: "Benign"; Align-GVGD: "Class C0". The threonine amino acid residue is found in multiple mammalian species, suggesting that this missense change does not adversely affect protein function. These predictions have not been confirmed by published functional studies and their clinical significance is uncertain. This variant is not present in population databases (ExAC no frequency). This sequence change replaces isoleucine with threonine at codon 767 of the L1CAM protein (p.Ile767Thr). The isoleucine residue is weakly conserved and there is a moderate physicochemical difference between isoleucine and threonine.

NM_001278116.2(L1CAM):c.2300T>C (p.Ile767Thr)

Gene: L1CAM (L1 cell adhesion molecule; minus strand). Cytogenetic location: Xq28.
Variant type: single nucleotide variant.
Coding change: c.2300T>C on transcript NM_001278116.2 (MANE Select); coding-DNA position 2300, T replaced by C.
Protein change: p.Ile767Thr; replaces isoleucine 767 with threonine.
Molecular consequence: missense variant.
Genome position (GRCh38, 1-based): chrX:153,866,780, A>G on the plus strand (T>C on the coding strand, the complement: L1CAM is on the minus strand). VCF-style: chrX-153866780-A-G. GRCh37 (hg19) VCF-style: chrX-153132235-A-G.
Other names: c.2300T>C, p.Ile767Thr (NM_000425.5, NM_024003.3); c.2285T>C, p.Ile762Thr (NM_001143963.2); short protein forms I767T, I762T.
Identifiers: ClinVar variation 582834 (VCV000582834.8), dbSNP rs1569544704, ClinGen allele CA415120419.